The following is an entry in ClinVar:

NM_001903.5(CTNNA1):c.35A>G (p.Lys12Arg)

Gene: CTNNA1 (catenin alpha 1; plus strand). Cytogenetic location: 5q31.2.
Variant type: single nucleotide variant.
Coding change: c.35A>G on transcript NM_001903.5 (MANE Select); coding-DNA position 35, A replaced by G.
Protein change: p.Lys12Arg; replaces lysine 12 with arginine.
Molecular consequence: missense variant. On other transcripts: 5 prime UTR variant (2).
Genome position (GRCh38, 1-based): chr5:138,781,959, A>G. VCF-style: chr5-138781959-A-G. GRCh37 (hg19) VCF-style: chr5-138117648-A-G.
Other names: c.35A>G, p.Lys12Arg (NM_001290307.3, NM_001323982.2, NM_001323983.1 and 3 more transcripts); c.-79A>G (NM_001290309.3); c.-172A>G (NM_001290310.3); short protein forms K12R.
Identifiers: ClinVar variation 1375250 (VCV001375250.9), dbSNP rs1580978035, ClinGen allele CA361477094.

ClinVar aggregate classification (germline): Uncertain significance. Review status: criteria provided, multiple submitters, no conflicts (2 of 4 stars). 3 submissions from 3 submitters: Uncertain significance (3). Last evaluated 2024-11-14.

Conditions:
Hereditary cancer-predisposing syndrome. Also called: Hereditary neoplastic syndrome; Hereditary Cancer Syndrome; Tumor predisposition; Neoplastic Syndromes, Hereditary. Identifiers: Orphanet 140162, MedGen C0027672, MeSH D009386, MONDO:0015356.

Allele frequency attached by ClinVar (database versions not stated): gnomAD exomes below 0.00001.

Submissions (3):

Labcorp Genetics (formerly Invitae), Labcorp
Classification: Uncertain significance. Last evaluated: 2024-11-14. Review status: criteria provided, single submitter. Criteria: Invitae Variant Classification Sherloc (09022015). Collection method: clinical testing. Allele origin: germline.
Comment: This sequence change replaces lysine, which is basic and polar, with arginine, which is basic and polar, at codon 12 of the CTNNA1 protein (p.Lys12Arg). This variant is not present in population databases (gnomAD no frequency). This variant has not been reported in the literature in individuals affected with CTNNA1-related conditions. ClinVar contains an entry for this variant (Variation ID: 1375250). An algorithm developed to predict the effect of missense changes on protein structure and function outputs the following: PolyPhen-2: "Benign". The arginine amino acid residue is found in multiple mammalian species, which suggests that this missense change does not adversely affect protein function. In summary, the available evidence is currently insufficient to determine the role of this variant in disease. Therefore, it has been classified as a Variant of Uncertain Significance.

Blueprint Genetics
Classification: Uncertain significance. Last evaluated: 2024-08-12. Review status: criteria provided, single submitter. Criteria: ACMG Guidelines, 2015. Collection method: clinical testing. Allele origin: germline.

Ambry Genetics
Classification: Uncertain significance for Hereditary cancer-predisposing syndrome. Last evaluated: 2022-06-12. Review status: criteria provided, single submitter. Criteria: Ambry Variant Classification Scheme 2023. Collection method: clinical testing. Allele origin: germline.
Comment: The p.K12R variant (also known as c.35A>G), located in coding exon 1 of the CTNNA1 gene, results from an A to G substitution at nucleotide position 35. The lysine at codon 12 is replaced by arginine, an amino acid with highly similar properties. This amino acid position is conserved. In addition, this alteration is predicted to be tolerated by in silico analysis. Since supporting evidence is limited at this time, the clinical significance of this alteration remains unclear.